The following is an entry in ClinVar:

ClinVar aggregate classification (germline): Uncertain significance (1 of 4 stars; one submission).

Submission:

Labcorp Genetics (formerly Invitae), Labcorp
Classification: Uncertain significance. Last evaluated: 2025-11-17. Review status: criteria provided, single submitter. Criteria: Invitae Variant Classification Sherloc (09022015). Collection method: clinical testing. Allele origin: germline.
Comment: This sequence change replaces glycine, which is neutral and non-polar, with glutamic acid, which is acidic and polar, at codon 2569 of the KMT2A protein (p.Gly2569Glu). This variant is not present in population databases (gnomAD no frequency). This variant has not been reported in the literature in individuals affected with KMT2A-related conditions. Invitae Evidence Modeling of protein sequence and biophysical properties (such as structural, functional, and spatial information, amino acid conservation, physicochemical variation, residue mobility, and thermodynamic stability) indicates that this missense variant is not expected to disrupt KMT2A protein function with a negative predictive value of 95%. In summary, the available evidence is currently insufficient to determine the role of this variant in disease. Therefore, it has been classified as a Variant of Uncertain Significance.

NM_001197104.2(KMT2A):c.7706G>A (p.Gly2569Glu)

Gene: KMT2A (lysine methyltransferase 2A; plus strand). Cytogenetic location: 11q23.3.
Variant type: single nucleotide variant.
Coding change: c.7706G>A on transcript NM_001197104.2 (MANE Select); coding-DNA position 7706, G replaced by A.
Protein change: p.Gly2569Glu; replaces glycine 2569 with glutamic acid.
Molecular consequence: missense variant.
Genome position (GRCh38, 1-based): chr11:118,503,598, G>A. VCF-style: chr11-118503598-G-A. GRCh37 (hg19) VCF-style: chr11-118374313-G-A.
Other names: c.7796G>A, p.Gly2599Glu (NM_001412597.1); c.7697G>A, p.Gly2566Glu (NM_005933.4); short protein forms G2566E, G2569E, G2599E.
Identifiers: ClinVar variation 4800558 (VCV004800558.1).
Genomic context (GRCh38, chr11:118,503,598, plus strand): 5'-CCCCTTTGCAAATAGAGTCAACATCTCCCACAGAACCAATTTCAGCCTCTGAAAATCCAG[G>A]AGATGGTCCAGTGGCCCAACCAAGCCCCAATAATACCTCATGCCAGGATTCTCAAAGTAA-3'
Protein context (NP_001184033.1, residues 2559-2579): TEPISASENP[Gly2569Glu]DGPVAQPSPN